The following is an entry in ClinVar:

ClinVar aggregate classification (germline): Benign/Likely benign. Review status: criteria provided, multiple submitters, no conflicts (2 of 4 stars). 4 submissions from 4 submitters: Benign (1); Likely benign (3). Last evaluated 2024-07-19.

Conditions:
Familial cancer of breast. Also called: Hereditary breast cancer; BREAST CANCER, FAMILIAL; hereditary breast carcinoma. Identifiers: Orphanet 227535, MedGen C0346153, MONDO:0016419, OMIM 114480. Disease mechanism: loss of function.
Hereditary cancer-predisposing syndrome. Also called: Tumor predisposition; Hereditary neoplastic syndrome; Hereditary Cancer Syndrome; Neoplastic Syndromes, Hereditary. Identifiers: Orphanet 140162, MedGen C0027672, MeSH D009386, MONDO:0015356.

Allele frequency attached by ClinVar (database versions not stated): gnomAD exomes below 0.00001.
gnomAD v4.1: 1 of 1,613,508 alleles (0.000062%); highest among the groups gnomAD compares: South Asian, 0.0011%; no homozygotes.

Submissions (4):

Myriad Genetics, Inc.
Classification: Benign for Familial cancer of breast. Last evaluated: 2024-07-19. Review status: criteria provided, single submitter. Criteria: Myriad Autosomal Dominant, Autosomal Recessive and X-Linked Classification Criteria (2023). Collection method: clinical testing. Allele origin: unknown.
Comment: This variant is considered benign. This variant is a silent/synonymous amino acid change and it is not expected to impact splicing.

Labcorp Genetics (formerly Invitae), Labcorp
Classification: Likely benign for Familial cancer of breast. Last evaluated: 2022-05-11. Review status: criteria provided, single submitter. Criteria: Invitae Variant Classification Sherloc (09022015). Collection method: clinical testing. Allele origin: germline.

Ambry Genetics
Classification: Likely benign for Hereditary cancer-predisposing syndrome. Last evaluated: 2021-05-15. Review status: criteria provided, single submitter. Criteria: Ambry Variant Classification Scheme 2023. Collection method: clinical testing. Allele origin: germline.

Color Diagnostics, LLC DBA Color Health
Classification: Likely benign for Hereditary cancer-predisposing syndrome. Last evaluated: 2020-10-13. Review status: criteria provided, single submitter. Criteria: ACMG Guidelines, 2015. Collection method: clinical testing. Allele origin: germline.

NM_000465.4(BARD1):c.318A>G (p.Gln106=)

Gene: BARD1 (BRCA1 associated RING domain 1; minus strand). Cytogenetic location: 2q35.
Variant type: single nucleotide variant.
Coding change: c.318A>G on transcript NM_000465.4 (MANE Select); coding-DNA position 318, A replaced by G.
Protein change: p.Gln106=; no amino-acid change (glutamine 106 retained).
Molecular consequence: synonymous variant. On other transcripts: non-coding transcript variant (1), intron variant (2).
Genome position (GRCh38, 1-based): chr2:214,792,343, T>C on the plus strand (A>G on the coding strand, the complement: BARD1 is on the minus strand). VCF-style: chr2-214792343-T-C. GRCh37 (hg19) VCF-style: chr2-215657067-T-C.
Other names: c.261A>G, p.Gln87= (NM_001282543.2); c.318A>G, p.Gln106= (NM_001282549.2); c.158+17069A>G (NM_001282548.2); c.215+4718A>G (NM_001282545.2); c.318A>G (NM_000465.2).
Identifiers: ClinVar variation 793476 (VCV000793476.14), dbSNP rs1178885131, ClinGen allele CA431141703.
Genomic context (GRCh38, chr2:214,792,343, plus strand): 5'-GGGATAGTTCTTACCTGACAGCTCATTGTCATGTAGCAAATTTCGAAGCTTACTACAAAG[T>C]TGAATCATGCTGTCCAGTTGTCTATTTATCTTCAAGTCTTGTATCCAGGCCGGGGTGTAA-3'
Protein context (NP_000456.2, residues 96-116): KINRQLDSMI[Gln106=]LCSKLRNLLH